The following is an entry in ClinVar:

NM_007294.4(BRCA1):c.5406+8T>G

Gene: BRCA1 (BRCA1 DNA repair associated; minus strand). Cytogenetic location: 17q21.31.
Variant type: single nucleotide variant.
Coding change: c.5406+8T>G on transcript NM_007294.4 (MANE Select); 8 bases into the intron after coding-DNA position 5406, T replaced by G.
Molecular consequence: intron variant.
Genome position (GRCh38, 1-based): chr17:43,049,113, A>C on the plus strand (T>G on the coding strand, the complement: BRCA1 is on the minus strand). VCF-style: chr17-43049113-A-C. GRCh37 (hg19) VCF-style: chr17-41201130-A-C.
Other names: c.1953+8T>G (NM_001408458.1, NM_001408461.1, NM_001408464.1 and 7 more transcripts); c.4515+8T>G (NM_001407967.1); c.5025+8T>G (NM_001407959.1); c.5139+8T>G (NM_001407931.1, NM_001407932.1, NM_001407928.1 and 4 more transcripts); c.5262+8T>G (NM_001407747.1, NM_001407745.1, NM_001407737.1 and 18 more transcripts); c.5022+8T>G (NM_001407962.1, NM_001407960.1); c.1593+8T>G (NM_001408512.1); c.1716+8T>G (NM_001408510.1); and 84 more.
Identifiers: ClinVar variation 868057 (VCV000868057.3), dbSNP rs55946644, ClinGen allele CA916080832.
Genomic context (GRCh38, chr17:43,049,113, plus strand): 5'-AGGTGCCAGTCTTGCTCACAGGAGAGAATATTGTGTCCTCCCTCTCTGACAGGGCACCCA[A>C]TACTTACTGTGCCAAGGGTGAATGATGAAAGCTCCTTCACCACAGAAGCACCACACAGCT-3'

Conditions:
Breast-ovarian cancer, familial, susceptibility to, 1 (BROVCA1). Also called: BRCA1 Hereditary Breast and Ovarian Cancer; OVARIAN CANCER, SUSCEPTIBILITY TO. Identifiers: Orphanet 145, MedGen C2676676, MONDO:0011450, OMIM 604370. Disease mechanism: loss of function.

Submission:

Brotman Baty Institute, University of Washington
No classification provided (evidence only). Condition: Breast-ovarian cancer, familial 1. Review status: no classification provided. Collection method: in vitro. Allele origin: not applicable. Functional consequence: functionally_normal.
ClinVar note: "not provided" was previously submitted as the classification for the variant. However, the classification appeared to be based only on an observation of functional data so it was converted to no classification on 2025-07-30.